The following is an entry in ClinVar:

NM_002473.6(MYH9):c.4332G>A (p.Lys1444=)

Gene: MYH9 (myosin heavy chain 9; minus strand). Cytogenetic location: 22q12.3.
Variant type: single nucleotide variant.
Coding change: c.4332G>A on transcript NM_002473.6 (MANE Select); coding-DNA position 4332, G replaced by A.
Protein change: p.Lys1444=; no amino-acid change (lysine 1444 retained).
Molecular consequence: synonymous variant.
Genome position (GRCh38, 1-based): chr22:36,291,998, C>T on the plus strand (G>A on the coding strand, the complement: MYH9 is on the minus strand). VCF-style: chr22-36291998-C-T. GRCh37 (hg19) VCF-style: chr22-36688044-C-T.
Other names: c.4332G>A (NM_002473.5).
Identifiers: ClinVar variation 504192 (VCV000504192.11), dbSNP rs758755198, ClinGen allele CA10209407.

ClinVar aggregate classification (germline): Conflicting classifications of pathogenicity. Review status: criteria provided, conflicting classifications (1 of 4 stars). 4 submissions from 4 submitters: Uncertain significance (1); Benign (1); Likely benign (1). 1 of the submissions does not count toward it. Last evaluated 2025-11-09.

Conditions:
MYH9-related disorder. Identifiers: MedGen C1854520.

Allele frequency attached by ClinVar (database versions not stated): gnomAD 0.00001 and 0.00002; gnomAD exomes 0.00001; TOPMed 0.00001; ExAC 0.00002.
gnomAD v4.1: 31 of 1,614,108 alleles (0.0019%); highest among the groups gnomAD compares: East Asian, 0.042%; 1 homozygote.

Submissions (4):

Labcorp Genetics (formerly Invitae), Labcorp
Classification: Benign. Last evaluated: 2025-11-09. Review status: criteria provided, single submitter. Criteria: Invitae Variant Classification Sherloc (09022015). Collection method: clinical testing. Allele origin: germline.

Blueprint Genetics
Classification: Likely benign. Last evaluated: 2023-09-19. Review status: criteria provided, single submitter. Criteria: ACMG Guidelines, 2015. Collection method: clinical testing. Allele origin: germline.

GeneDx
Classification: Uncertain significance. Last evaluated: 2019-06-04. Review status: criteria provided, single submitter. Criteria: GeneDx Variant Classification Process June 2021. Collection method: clinical testing. Allele origin: germline. Affected: yes.
Comment: In silico analysis, which includes splice predictors and evolutionary conservation, supports that this variant does not alter protein structure/function; Has not been previously published as pathogenic or benign to our knowledge

PreventionGenetics, part of Exact Sciences
Classification: Likely benign for MYH9-related condition. Last evaluated: 2020-12-15. Review status: no assertion criteria provided. Collection method: clinical testing. Allele origin: germline. Not counted in ClinVar's aggregate classification.
Comment: This variant is classified as likely benign based on ACMG/AMP sequence variant interpretation guidelines (Richards et al. 2015 PMID: 25741868, with internal and published modifications).